The following is an entry in ClinVar:

ClinVar aggregate classification (germline): Pathogenic/Likely pathogenic. Review status: criteria provided, multiple submitters, no conflicts (2 of 4 stars). 5 submissions from 5 submitters: Pathogenic (2); Likely pathogenic (2). 1 of the submissions does not count toward it. Last evaluated 2025-05-30.

Conditions:
Exudative vitreoretinopathy 6 (EVR6). Identifiers: Orphanet 891, MedGen C4225316, MONDO:0014652, OMIM 616468.
Retinitis pigmentosa 72 (RP72). Identifiers: Orphanet 791, MedGen C4225315, MONDO:0014653, OMIM 616469.
ZNF408-related disorder. Also called: ZNF408-related condition.
Retinal dystrophy. Also called: Inherited retinal dystrophy. Identifiers: Orphanet 71862, MedGen C0854723, MeSH D058499, MONDO:0019118, HP:0000556.

Allele frequency attached by ClinVar (database versions not stated): gnomAD exomes 0.00001 and 0.00002; ExAC 0.00002; TOPMed 0.00002.

Submissions (5):

Labcorp Genetics (formerly Invitae), Labcorp
Classification: Pathogenic. Last evaluated: 2025-05-30. Review status: criteria provided, single submitter. Criteria: Invitae Variant Classification Sherloc (09022015). Collection method: clinical testing. Allele origin: germline.
Comment: This sequence change replaces arginine, which is basic and polar, with cysteine, which is neutral and slightly polar, at codon 541 of the ZNF408 protein (p.Arg541Cys). This variant is present in population databases (rs781192528, gnomAD 0.009%). This missense change has been observed in individuals with retinitis pigmentosa (PMID: 25882705; internal data). ClinVar contains an entry for this variant (Variation ID: 204317). An algorithm developed to predict the effect of missense changes on protein structure and function (PolyPhen-2) suggests that this variant is likely to be disruptive. Experimental studies have shown that this missense change affects ZNF408 function (PMID: 25882705). For these reasons, this variant has been classified as Pathogenic.

Blueprint Genetics
Classification: Pathogenic for ZNF408-related disorders. Last evaluated: 2022-08-08. Review status: criteria provided, single submitter. Criteria: ACMG Guidelines, 2015. Collection method: clinical testing. Allele origin: germline. Affected: yes. Observed: 4 variant alleles.

Fulgent Genetics
Classification: Likely pathogenic for Exudative vitreoretinopathy 6; Retinitis pigmentosa 72. Last evaluated: 2022-03-01. Review status: criteria provided, single submitter. Criteria: ACMG Guidelines, 2015. Collection method: clinical testing. Allele origin: unknown.

Institute of Human Genetics, Univ. Regensburg, Univ. Regensburg
Classification: Likely pathogenic for Retinal dystrophy. Last evaluated: 2021-01-01. Review status: criteria provided, single submitter. Criteria: ACMG Guidelines, 2015. Collection method: clinical testing. Allele origin: germline. Affected: yes.

OMIM
Classification: Pathogenic for RETINITIS PIGMENTOSA 72. Last evaluated: 2015-07-15. Review status: no assertion criteria provided. Collection method: literature only. Allele origin: germline. Not counted in ClinVar's aggregate classification.

Literature cited by the submitters: PubMed 25882705 (cited by 3 submitters); PubMed 3196484 (cited by Institute of Human Genetics, Univ. Regensburg, Univ. Regensburg).

NM_024741.3(ZNF408):c.1621C>T (p.Arg541Cys)

Gene: ZNF408 (zinc finger protein 408; plus strand). Cytogenetic location: 11p11.2.
Variant type: single nucleotide variant.
Coding change: c.1621C>T on transcript NM_024741.3 (MANE Select); coding-DNA position 1621, C replaced by T.
Protein change: p.Arg541Cys; replaces arginine 541 with cysteine.
Molecular consequence: missense variant.
Genome position (GRCh38, 1-based): chr11:46,705,321, C>T. VCF-style: chr11-46705321-C-T. GRCh37 (hg19) VCF-style: chr11-46726871-C-T.
Other names: c.1597C>T, p.Arg533Cys (NM_001184751.2); short protein forms R541C, R533C.
Identifiers: ClinVar variation 204317 (VCV000204317.15), dbSNP rs781192528, ClinGen allele CA204009.